The following is an entry in ClinVar:

ClinVar aggregate classification (germline): Likely benign (1 of 4 stars; one submission).

Conditions:
NOTCH2-related disorder. Also called: NOTCH2-related condition.

gnomAD v4.1: 8 of 1,613,970 alleles (0.0005%); highest among the groups gnomAD compares: East Asian, 0.0022%; no homozygotes.

Submission:

PreventionGenetics, part of Exact Sciences
Classification: Likely benign for NOTCH2-related condition. Last evaluated: 2025-01-10. Review status: criteria provided, single submitter. Criteria: ACMG Guidelines, 2015. Collection method: clinical testing. Allele origin: germline.
Comment: This variant is classified as likely benign based on ACMG/AMP sequence variant interpretation guidelines (Richards et al. 2015 PMID: 25741868, with internal and published modifications).

NM_024408.4(NOTCH2):c.5277C>T (p.Val1759=)

Gene: NOTCH2 (notch receptor 2; minus strand). Cytogenetic location: 1p12.
Variant type: single nucleotide variant.
Coding change: c.5277C>T on transcript NM_024408.4 (MANE Select); coding-DNA position 5277, C replaced by T.
Protein change: p.Val1759=; no amino-acid change (valine 1759 retained).
Molecular consequence: synonymous variant.
Genome position (GRCh38, 1-based): chr1:119,921,746, G>A on the plus strand (C>T on the coding strand, the complement: NOTCH2 is on the minus strand). VCF-style: chr1-119921746-G-A. GRCh37 (hg19) VCF-style: chr1-120464369-G-A.
Identifiers: ClinVar variation 4986064 (VCV004986064.1).
Genomic context (GRCh38, chr1:119,921,746, plus strand): 5'-ATGGTGGTTCTACCATGGCCACCTCACCTTTACTTTCTTTGGCTGGGGCCCTTCATCATC[G>A]ACCCAGTGTTCACTTGTTCCAGTACCAATTAGGTTAGCTTCTGAGACTTGCACTGAGAGA-3'
Protein context (NP_077719.2, residues 1749-1769): LIGTGTSEHW[Val1759=]DDEGPQPKKV